The following is an entry in ClinVar:

ClinVar aggregate classification (germline): Uncertain significance (1 of 4 stars; one submission).

Submission:

Labcorp Genetics (formerly Invitae), Labcorp
Classification: Uncertain significance. Last evaluated: 2024-10-22. Review status: criteria provided, single submitter. Criteria: Invitae Variant Classification Sherloc (09022015). Collection method: clinical testing. Allele origin: germline.
Comment: This sequence change replaces arginine, which is basic and polar, with leucine, which is neutral and non-polar, at codon 207 of the NYX protein (p.Arg207Leu). This variant is not present in population databases (gnomAD no frequency). This variant has not been reported in the literature in individuals affected with NYX-related conditions. ClinVar contains an entry for this variant (Variation ID: 1385279). Invitae Evidence Modeling of protein sequence and biophysical properties (such as structural, functional, and spatial information, amino acid conservation, physicochemical variation, residue mobility, and thermodynamic stability) indicates that this missense variant is not expected to disrupt NYX protein function with a negative predictive value of 80%. In summary, the available evidence is currently insufficient to determine the role of this variant in disease. Therefore, it has been classified as a Variant of Uncertain Significance.

NM_001378477.3(NYX):c.605G>T (p.Arg202Leu)

Gene: NYX (nyctalopin; plus strand). Cytogenetic location: Xp11.4.
Variant type: single nucleotide variant.
Coding change: c.605G>T on transcript NM_001378477.3 (MANE Select); coding-DNA position 605, G replaced by T.
Protein change: p.Arg202Leu; replaces arginine 202 with leucine.
Molecular consequence: missense variant.
Genome position (GRCh38, 1-based): chrX:41,474,073, G>T. VCF-style: chrX-41474073-G-T. GRCh37 (hg19) VCF-style: chrX-41333326-G-T.
Other names: c.605G>T, p.Arg202Leu (NM_022567.3); short protein forms R202L.
Identifiers: ClinVar variation 1385279 (VCV001385279.6), dbSNP rs2147025830, ClinGen allele CA412990897.